The following is an entry in ClinVar:

NM_024598.4(USB1):c.63del (p.Met22fs)

Gene: USB1 (U6 snRNA biogenesis phosphodiesterase 1; plus strand). Cytogenetic location: 16q21.
Variant type: Deletion.
Coding change: c.63del on transcript NM_024598.4 (MANE Select); coding-DNA position 63, one base deleted (G; older notation c.63delG).
Protein change: p.Met22fs; shifts the reading frame from methionine 22.
Molecular consequence: frameshift variant. On other transcripts: intron variant (1).
Genome position (GRCh38, 1-based): chr16:58,001,546, G deleted; the last of 3 consecutive G bases (chr16:58,001,544-58,001,546); deleting any one gives the same sequence. VCF-style (leftmost placement, unchanged base first): chr16-58001543-CG-C. GRCh37 (hg19) VCF-style: chr16-58035447-CG-C.
Other names: c.63del, p.Met22fs (NM_001195302.2, NM_001204911.2, NM_001330569.2); c.-55-933del (NM_001330568.2); c.63delG (NM_024598.3); short protein forms M22fs.
Identifiers: ClinVar variation 1071879 (VCV001071879.10), dbSNP rs747958554, ClinGen allele CA8084777.

ClinVar aggregate classification (germline): Pathogenic/Likely pathogenic. Review status: criteria provided, multiple submitters, no conflicts (2 of 4 stars). 3 submissions from 3 submitters: Pathogenic (1); Likely pathogenic (2). Last evaluated 2025-08-21.

Conditions:
Poikiloderma with neutropenia (PN). Identifiers: Orphanet 221046, MedGen C1858723, MONDO:0011405, OMIM 604173.
USB1-related disorder. Also called: USB1-related condition.

Submissions (3):

PreventionGenetics, part of Exact Sciences
Classification: Likely pathogenic for USB1-related condition. Last evaluated: 2025-08-21. Review status: criteria provided, single submitter. Criteria: ACMG Guidelines, 2015. Collection method: clinical testing. Allele origin: germline.
Comment: The USB1 c.63delG variant is predicted to result in a frameshift and premature protein termination (p.Met22Cysfs*29). To our knowledge, this variant has not been reported in the literature. This variant is reported in 0.0029% of alleles in individuals of European (Non-Finnish) descent in gnomAD and interpreted as likely pathogenic or pathogenic in ClinVar. Frameshift variants in USB1 are expected to be pathogenic. This variant is interpreted as likely pathogenic.

Labcorp Genetics (formerly Invitae), Labcorp
Classification: Pathogenic. Last evaluated: 2025-04-17. Review status: criteria provided, single submitter. Criteria: Invitae Variant Classification Sherloc (09022015). Collection method: clinical testing. Allele origin: germline.
Comment: This sequence change creates a premature translational stop signal (p.Met22Cysfs*29) in the USB1 gene. It is expected to result in an absent or disrupted protein product. Loss-of-function variants in USB1 are known to be pathogenic (PMID: 20817924, 25044170). This variant is present in population databases (rs747958554, gnomAD 0.003%). This variant has not been reported in the literature in individuals affected with USB1-related conditions. ClinVar contains an entry for this variant (Variation ID: 1071879). For these reasons, this variant has been classified as Pathogenic.

Fulgent Genetics
Classification: Likely pathogenic for Poikiloderma with neutropenia. Last evaluated: 2022-04-29. Review status: criteria provided, single submitter. Criteria: ACMG Guidelines, 2015. Collection method: clinical testing. Allele origin: unknown.

Literature cited by the submitters: PubMed 20817924 (cited by Labcorp Genetics (formerly Invitae), Labcorp); PubMed 25044170 (cited by Labcorp Genetics (formerly Invitae), Labcorp).